The following is an entry in ClinVar:

NM_000875.5(IGF1R):c.*1765T>A

Gene: IGF1R (insulin like growth factor 1 receptor; plus strand). Cytogenetic location: 15q26.3.
Variant type: single nucleotide variant.
Coding change: c.*1765T>A on transcript NM_000875.5 (MANE Select); 1765 bases downstream of the stop codon, T replaced by A.
Molecular consequence: 3 prime UTR variant.
Genome position (GRCh38, 1-based): chr15:98,959,207, T>A. VCF-style: chr15-98959207-T-A. GRCh37 (hg19) VCF-style: chr15-99502436-T-A.
Other names: c.*1765T>A (NM_001291858.2).
Identifiers: ClinVar variation 317516 (VCV000317516.5), dbSNP rs533982384, ClinGen allele CA10647564.

ClinVar aggregate classification (germline): Likely benign (1 of 4 stars; one submission).

Conditions:
Growth delay due to insulin-like growth factor I resistance. Also called: Somatomedin end-organ insensitivity to; Somatomedin-c resistance to; IGF-1 resistance; IGF-I RESISTANCE; Insulin-Like Growth Factor I Resistance. Identifiers: Orphanet 73273, MedGen C1849157, MONDO:0010038, OMIM 270450.

Allele frequency attached by ClinVar (database versions not stated): gnomAD 0.00035; TOPMed 0.00036; gnomAD exomes 0.00041; 1000 Genomes Project 30x 0.00094; 1000 Genomes Project 0.00140.
gnomAD v4.1: 85 of 232,758 alleles (0.037%); highest among the groups gnomAD compares: Non-Finnish European, 0.055%; no homozygotes.

Submission:

Illumina Laboratory Services, Illumina
Classification: Likely benign for Growth delay due to insulin-like growth factor I resistance. Last evaluated: 2018-01-12. Review status: criteria provided, single submitter. Criteria: ICSL Variant Classification Criteria 13 December 2019. Collection method: clinical testing. Allele origin: germline.
Comment: This variant was observed in the ICSL laboratory as part of a predisposition screen in an ostensibly healthy population. It had not been previously curated by ICSL or reported in the Human Gene Mutation Database (HGMD: prior to June 1st, 2018), and was therefore a candidate for classification through an automated scoring system. Utilizing variant allele frequency, disease prevalence and penetrance estimates, and inheritance mode, an automated score was calculated to assess if this variant is too frequent to cause the disease. Based on the score and internal cut-off values, a variant classified as likely benign is not then subjected to further curation. The score for this variant resulted in a classification of likely benign for this disease.